The following is an entry in ClinVar:

ClinVar aggregate classification (germline): Uncertain significance. Review status: reviewed by expert panel (3 of 4 stars). 3 submissions from 3 submitters: Uncertain significance (1). 2 of the submissions do not count toward it. Last evaluated 2024-05-09.

Conditions:
Monogenic diabetes. Identifiers: Orphanet 183625, MedGen C3888631, MONDO:0015967.
Maturity-onset diabetes of the young type 1. Also called: MILD JUVENILE DIABETES MELLITUS; MODY, type I; MODY type 1; Diabetes mellitus MODY type 1; MODY HNF4A related; HNF4A-Related Maturity-Onset Diabetes of the Young Type 1. Identifiers: Orphanet 552, MedGen C1852093, MONDO:0007452, OMIM 125850. Disease mechanism: loss of function.
Maturity-onset diabetes of the young (MODY). Also called: Maturity onset diabetes mellitus in young. Identifiers: Orphanet 552, MedGen C0342276, MONDO:0018911, HP:0004904.

Submissions (3):

ClinGen Monogenic Diabetes Variant Curation Expert Panel
Classification: Uncertain significance for Monogenic diabetes. Last evaluated: 2024-05-09. Review status: reviewed by expert panel. Criteria: ClinGen Diabetes ACMG Specifications HNF4A V2.0.0. Collection method: curation. Allele origin: germline. Inheritance: Autosomal dominant inheritance.
Comment: The c.553G>C variant in the hepatocyte nuclear factor 4-alpha gene, HNF4A, causes an amino acid change of alanine to proline at codon 185 (p.(Ala185Pro)) of NM_175914.5. This variant is located in the ligand binding domain (codons 180-220) of HNF4A, which is defined as critical for the protein's function by the ClinGen MDEP (PM1_Supporting). It has a REVEL score of 0.624, which is between the ClinGen MDEP thresholds for BP4 and PP3, predicting neither a damaging nor benign impact on HNF4A function. This variant is absent in gnomAD v2.1.1 (PM2_Supporting), and was identified in an individual with diabetes; however, the MODY probability is unable to be calculated due to lack of clinical information (ClinVar ID: 36354). Additionally, another missense variant, c.553G>A (p.Ala185Thr), has been classified as likely pathogenic by the ClinGen MDEP (PM5_Supporting). In summary, c.553G>C meets the criteria to be classified as a variant of uncertain significance for monogenic diabetes. ACMG/AMP criteria applied, as specified by the ClinGen MDEP (specification version 2.0.0, approved 10/11/2023): PM1_Supporting, PM2_Supporting, PM5_Supporting.

Women's Health and Genetics/Laboratory Corporation of America, LabCorp
Classification: Likely pathogenic for MODY1. Last evaluated: 2011-08-18. Review status: criteria provided, single submitter. Criteria: LabCorp Variant Classification Summary - May 2015. Collection method: curation, clinical testing. Allele origin: germline. Inheritance: autosomal unknown. Affected: yes. Not counted in ClinVar's aggregate classification.
ClinVar note: Converted during submission from likely pathogenic to Likely pathogenic.

Clinical Genomics, Uppaluri K&H Personalized Medicine Clinic
Classification: Uncertain risk allele for Maturity-onset diabetes of the young. Review status: criteria provided, single submitter. Criteria: K & H Uppaluri Personalized Medicine Clinic Variant Classification & Assertion Criteria_Updated V.1. Collection method: research. Allele origin: unknown. Inheritance: Autosomal dominant inheritance. Not counted in ClinVar's aggregate classification.
Comment: Potent mutations in HNF4A are associated with poor insulin secretion in response to hyperglycemia. Associated with MODY1. Patients initially respond well to sulfonylureas but eventually become insulin dependent. However, more evidence is required to ascertain the role of this particular variant rs193922474 in MODY, yet.

Literature cited by the submitters: PubMed 18268044 (cited by Clinical Genomics, Uppaluri K&H Personalized Medicine Clinic); PubMed 17563455 (cited by Clinical Genomics, Uppaluri K&H Personalized Medicine Clinic); PubMed 32583173 (cited by Clinical Genomics, Uppaluri K&H Personalized Medicine Clinic); PubMed 35052457 (cited by Clinical Genomics, Uppaluri K&H Personalized Medicine Clinic); PubMed 35118593 (cited by Clinical Genomics, Uppaluri K&H Personalized Medicine Clinic); DOI 10.1159/000334532 (cited by Clinical Genomics, Uppaluri K&H Personalized Medicine Clinic).

NM_175914.5(HNF4A):c.553G>C (p.Ala185Pro)

Gene: HNF4A (hepatocyte nuclear factor 4 alpha; plus strand). Cytogenetic location: 20q13.12.
Variant type: single nucleotide variant.
Coding change: c.553G>C on transcript NM_175914.5 (MANE Select); coding-DNA position 553, G replaced by C.
Protein change: p.Ala185Pro; replaces alanine 185 with proline.
Molecular consequence: missense variant.
Genome position (GRCh38, 1-based): chr20:44,414,633, G>C. VCF-style: chr20-44414633-G-C. GRCh37 (hg19) VCF-style: chr20-43043273-G-C.
Other names: NM_175914.5(HNF4A):c.553G>C; p.Ala185Pro; c.619G>C, p.Ala207Pro (NM_000457.6, NM_178849.3, NM_178850.3); c.553G>C, p.Ala185Pro (NM_001030003.3, NM_001030004.3); c.598G>C, p.Ala200Pro (NM_001258355.2); c.544G>C, p.Ala182Pro (NM_001287182.2, NM_001287183.2, NM_001287184.2); short protein forms A185P, A207P, A182P, A200P.
Identifiers: ClinVar variation 36354 (VCV000036354.5), dbSNP rs193922474, ClinGen allele CA213958.